The following is an entry in ClinVar:

ClinVar aggregate classification (germline): Uncertain significance (1 of 4 stars; one submission).

Conditions:
Primary ciliary dyskinesia. Also called: Ciliary dyskinesia. Identifiers: Orphanet 244, MedGen C0008780, MONDO:0016575, HP:0012265.

Allele frequency attached by ClinVar (database versions not stated): TOPMed below 0.00001.

Submission:

Labcorp Genetics (formerly Invitae), Labcorp
Classification: Uncertain significance for Primary ciliary dyskinesia. Last evaluated: 2019-12-27. Review status: criteria provided, single submitter. Criteria: Invitae Variant Classification Sherloc (09022015). Collection method: clinical testing. Allele origin: germline.
Comment: In summary, the available evidence is currently insufficient to determine the role of this variant in disease. Therefore, it has been classified as a Variant of Uncertain Significance. This sequence change replaces aspartic acid with asparagine at codon 548 of the DNAAF1 protein (p.Asp548Asn). The aspartic acid residue is moderately conserved and there is a small physicochemical difference between aspartic acid and asparagine. This variant is not present in population databases (ExAC no frequency). This variant has not been reported in the literature in individuals with DNAAF1-related conditions. Algorithms developed to predict the effect of missense changes on protein structure and function output the following: SIFT: "Tolerated"; PolyPhen-2: "Benign"; Align-GVGD: "Class C0". The asparagine amino acid residue is found in multiple mammalian species, suggesting that this missense change does not adversely affect protein function. These predictions have not been confirmed by published functional studies and their clinical significance is uncertain.

NM_178452.6(DNAAF1):c.1642G>A (p.Asp548Asn)

Gene: DNAAF1 (dynein axonemal assembly factor 1; plus strand). Cytogenetic location: 16q24.1.
Variant type: single nucleotide variant.
Coding change: c.1642G>A on transcript NM_178452.6 (MANE Select); coding-DNA position 1642, G replaced by A.
Protein change: p.Asp548Asn; replaces aspartic acid 548 with asparagine.
Molecular consequence: missense variant.
Genome position (GRCh38, 1-based): chr16:84,172,373, G>A. VCF-style: chr16-84172373-G-A. GRCh37 (hg19) VCF-style: chr16-84205979-G-A.
Other names: c.934G>A, p.Asp312Asn (NM_001318756.1); short protein forms D548N, D312N.
Identifiers: ClinVar variation 859930 (VCV000859930.18), dbSNP rs2088409947, ClinGen allele CA396949323.
Genomic context (GRCh38, chr16:84,172,373, plus strand): 5'-GGAACGAGAACGGAAGATTTAGAAACCATTAGACTGGAGACAAAGGAGACATTCTGCATT[G>A]ATGTACATGAAGTATTTAATCTTGGAGATAAGTATCAGTTTTACTGTTAGTAAAATAGGT-3'
Protein context (NP_848547.4, residues 538-558): RLETKETFCI[Asp548Asn]DLPDLEDDDE